The following is an entry in ClinVar:

ClinVar aggregate classification (germline): Uncertain significance (1 of 4 stars; one submission).

Conditions:
Aicardi-Goutieres syndrome 5. Identifiers: Orphanet 51, MedGen C2749659, MONDO:0013059, OMIM 612952.

Allele frequency attached by ClinVar (database versions not stated): gnomAD exomes below 0.00001; TOPMed below 0.00001; ExAC 0.00001; gnomAD 0.00001.

Submission:

Labcorp Genetics (formerly Invitae), Labcorp
Classification: Uncertain significance for Aicardi-Goutieres syndrome 5. Last evaluated: 2021-08-27. Review status: criteria provided, single submitter. Criteria: Invitae Variant Classification Sherloc (09022015). Collection method: clinical testing. Allele origin: germline.
Comment: This sequence change replaces glycine with aspartic acid at codon 379 of the SAMHD1 protein (p.Gly379Asp). The glycine residue is moderately conserved and there is a moderate physicochemical difference between glycine and aspartic acid. This variant is present in population databases (rs773888401, ExAC no frequency). This variant has not been reported in the literature in individuals affected with SAMHD1-related conditions. Algorithms developed to predict the effect of missense changes on protein structure and function are either unavailable or do not agree on the potential impact of this missense change (SIFT: "Tolerated"; PolyPhen-2: "Possibly Damaging"; Align-GVGD: "Class C0"). In summary, the available evidence is currently insufficient to determine the role of this variant in disease. Therefore, it has been classified as a Variant of Uncertain Significance.

NM_015474.4(SAMHD1):c.1136G>A (p.Gly379Asp)

Gene: SAMHD1 (SAM and HD domain containing deoxynucleoside triphosphate triphosphohydrolase 1; minus strand). Cytogenetic location: 20q11.23.
Variant type: single nucleotide variant.
Coding change: c.1136G>A on transcript NM_015474.4 (MANE Select); coding-DNA position 1136, G replaced by A.
Protein change: p.Gly379Asp; replaces glycine 379 with aspartic acid.
Molecular consequence: missense variant.
Genome position (GRCh38, 1-based): chr20:36,912,479, C>T on the plus strand (G>A on the coding strand, the complement: SAMHD1 is on the minus strand). VCF-style: chr20-36912479-C-T. GRCh37 (hg19) VCF-style: chr20-35540882-C-T.
Other names: c.1136G>A, p.Gly379Asp (NM_001363729.2, NM_001363733.2); short protein forms G379D.
Identifiers: ClinVar variation 1468212 (VCV001468212.5), dbSNP rs773888401, ClinGen allele CA9844577.